The following is an entry in ClinVar:

NM_000455.5(STK11):c.*1G>A

Gene: STK11 (serine/threonine kinase 11; plus strand). Cytogenetic location: 19p13.3.
Variant type: single nucleotide variant.
Coding change: c.*1G>A on transcript NM_000455.5 (MANE Select); 1 bases downstream of the stop codon, G replaced by A.
Molecular consequence: 3 prime UTR variant.
Genome position (GRCh38, 1-based): chr19:1,226,648, G>A. VCF-style: chr19-1226648-G-A. GRCh37 (hg19) VCF-style: chr19-1226647-G-A.
Identifiers: ClinVar variation 184314 (VCV000184314.4), dbSNP rs786201397, ClinGen allele CA022709.

ClinVar aggregate classification (germline): Conflicting classifications of pathogenicity. Review status: criteria provided, conflicting classifications (1 of 4 stars). 2 submissions from 2 submitters: Uncertain significance (1); Benign (1). Last evaluated 2025-03-31.

Conditions:
Hereditary cancer-predisposing syndrome. Also called: Tumor predisposition; Hereditary Cancer Syndrome; Hereditary neoplastic syndrome; Neoplastic Syndromes, Hereditary. Identifiers: Orphanet 140162, MedGen C0027672, MeSH D009386, MONDO:0015356.
Peutz-Jeghers syndrome (PJS). Also called: POLYPOSIS, HAMARTOMATOUS INTESTINAL; POLYPS-AND-SPOTS SYNDROME; Peutz-Jeghers polyposis; Periorificial lentiginosis syndrome. Identifiers: Orphanet 2869, MedGen C0031269, MeSH D010580, MONDO:0008280, OMIM 175200.

Allele frequency attached by ClinVar (database versions not stated): gnomAD exomes below 0.00001.
gnomAD v4.1: 1 of 1,519,872 alleles (0.000066%); highest among the groups gnomAD compares: South Asian, 0.0012%; no homozygotes.

Submissions (2):

Myriad Genetics, Inc.
Classification: Benign for Peutz-Jeghers syndrome. Last evaluated: 2025-03-31. Review status: criteria provided, single submitter. Criteria: Myriad Autosomal Dominant, Autosomal Recessive and X-Linked Classification Criteria (2023). Collection method: clinical testing. Allele origin: unknown.
Comment: This variant is considered benign. This variant occurs in the non-coding 3' untranslated region of the gene, and is not expected to impact protein function.

Ambry Genetics
Classification: Uncertain significance for Hereditary cancer-predisposing syndrome. Last evaluated: 2014-05-15. Review status: criteria provided, single submitter. Criteria: Ambry Autosomal Dominant and X-Linked criteria (10/2015). Collection method: clinical testing. Allele origin: germline. Observed: 1 variant allele.
Comment: Ã¢â‚¬â€¹The c.*1G>A variant is located in the 3' untranslated region (3Ã¢â‚¬â„¢UTR) of the STK11 gene. This variant results from a G to A substitution 1 nucleotide after the last coding exon of the STK11 gene. This variant was not reported in population-based cohorts in the following databases: Database of Single Nucleotide Polymorphisms (dbSNP), NHLBI Exome Sequencing Project (ESP) and 1000 Genomes Project. Based on nucleotide sequence alignment, this nucleotide position is not well conserved, and adenine is the reference nucleotide in the elephant. Since supporting evidence for this variant is limited at this time, the clinical significance of c.*1G>A remains unclear.